The following is an entry in ClinVar:

ClinVar aggregate classification (germline): Uncertain significance (1 of 4 stars; one submission).

Conditions:
Arrhythmogenic cardiomyopathy with wooly hair and keratoderma. Also called: Arrhythmogenic cardiomyopathy with woolly hair and keratoderma; PALMOPLANTAR KERATODERMA WITH LEFT VENTRICULAR CARDIOMYOPATHY AND WOOLLY HAIR; Dilated cardiomyopathy with woolly hair and keratoderma; Carvajal syndrome. Identifiers: Orphanet 65282, MedGen C1854063, MONDO:0011581, OMIM 605676.
Arrhythmogenic right ventricular dysplasia 8 (ARVD8). Also called: Arrhythmogenic Right Ventricular Dysplasia/Cardiomyopathy 8; ARRHYTHMOGENIC RIGHT VENTRICULAR CARDIOMYOPATHY 8; ARRHYTHMOGENIC RIGHT VENTRICULAR DYSPLASIA, FAMILIAL, 8. Identifiers: MedGen C1843896, MONDO:0011831, OMIM 607450.

Submission:

Labcorp Genetics (formerly Invitae), Labcorp
Classification: Uncertain significance for Arrhythmogenic cardiomyopathy with wooly hair and keratoderma; Arrhythmogenic right ventricular dysplasia 8. Last evaluated: 2022-03-12. Review status: criteria provided, single submitter. Criteria: Invitae Variant Classification Sherloc (09022015). Collection method: clinical testing. Allele origin: germline.
Comment: Algorithms developed to predict the effect of missense changes on protein structure and function (SIFT, PolyPhen-2, Align-GVGD) all suggest that this variant is likely to be tolerated. This variant has not been reported in the literature in individuals affected with DSP-related conditions. This variant is not present in population databases (gnomAD no frequency). This sequence change replaces arginine, which is basic and polar, with serine, which is neutral and polar, at codon 685 of the DSP protein (p.Arg685Ser). In summary, the available evidence is currently insufficient to determine the role of this variant in disease. Therefore, it has been classified as a Variant of Uncertain Significance.

NM_004415.4(DSP):c.2055G>T (p.Arg685Ser)

Gene: DSP (desmoplakin; plus strand). Cytogenetic location: 6p24.3.
Variant type: single nucleotide variant.
Coding change: c.2055G>T on transcript NM_004415.4 (MANE Select); coding-DNA position 2055, G replaced by T.
Protein change: p.Arg685Ser; replaces arginine 685 with serine.
Molecular consequence: missense variant.
Genome position (GRCh38, 1-based): chr6:7,571,993, G>T. VCF-style: chr6-7571993-G-T. GRCh37 (hg19) VCF-style: chr6-7572226-G-T.
Other names: c.2055G>T, p.Arg685Ser (NM_001008844.3, NM_001319034.2); short protein forms R685S.
Identifiers: ClinVar variation 1926609 (VCV001926609.5), dbSNP rs2533897060, ClinGen allele CA362680453.